The following is an entry in ClinVar:

ClinVar aggregate classification (germline): Likely benign (0 of 4 stars; one submission).

Conditions:
CEP170B-related disorder. Also called: CEP170B-related condition.

Allele frequency attached by ClinVar (database versions not stated): gnomAD exomes 0.00004; ExAC 0.00021; gnomAD 0.00033; TOPMed 0.00039; 1000 Genomes Project 30x 0.00047; ESP Exome Variant Server 0.00017; 1000 Genomes Project 0.00040.
gnomAD v4.1: 104 of 1,561,564 alleles (0.0067%); highest among the groups gnomAD compares: African/African-American, 0.13%; no homozygotes.

Submissions (2):

PreventionGenetics, part of Exact Sciences
Classification: Likely benign for CEP170B-related condition. Last evaluated: 2019-10-28. Review status: no assertion criteria provided. Collection method: clinical testing. Allele origin: germline.
Comment: This variant is classified as likely benign based on ACMG/AMP sequence variant interpretation guidelines (Richards et al. 2015 PMID: 25741868, with internal and published modifications).

Dr. Peter K. Rogan Lab, Western University
No classification provided (evidence only). Condition: Hepatocellular carcinoma. Review status: no classification provided. Collection method: in vitro. Allele origin: not applicable. Functional consequence: retained intron. Not counted in ClinVar's aggregate classification.

NM_001112726.3(CEP170B):c.1869C>T (p.Gly623=)

Gene: CEP170B (centrosomal protein 170B; plus strand). Cytogenetic location: 14q32.33.
Variant type: single nucleotide variant.
Coding change: c.1869C>T on transcript NM_001112726.3 (MANE Select); coding-DNA position 1869, C replaced by T.
Protein change: p.Gly623=; no amino-acid change (glycine 623 retained).
Molecular consequence: synonymous variant.
Genome position (GRCh38, 1-based): chr14:104,885,467, C>T. VCF-style: chr14-104885467-C-T. GRCh37 (hg19) VCF-style: chr14-105351804-C-T.
Other names: NC_000014.8:g.105351804C>T; c.1659C>T, p.Gly553= (NM_015005.3).
Identifiers: ClinVar variation 3041139 (VCV003041139.3), dbSNP rs371465096, ClinGen allele CA7375699.